The following is an entry in ClinVar:

ClinVar aggregate classification (germline): Likely benign (1 of 4 stars; one submission).

gnomAD v4.1: 4,106 of 1,613,434 alleles (0.25%); highest among the groups gnomAD compares: Non-Finnish European, 0.32%; 6 homozygotes.

Submission:

CeGaT Center for Human Genetics Tuebingen
Classification: Likely benign. Last evaluated: 2025-04-01. Review status: criteria provided, single submitter. Criteria: CeGaT Center For Human Genetics Tuebingen Variant Classification Criteria Version 2. Collection method: clinical testing. Allele origin: germline. Affected: yes. Observed: 1 variant allele.
Comment: CFAP210: BP4, BP7

NM_001085447.2(CFAP210):c.1365T>C (p.Asp455=)

Gene: CFAP210 (cilia and flagella associated protein 210; minus strand). Cytogenetic location: 2q31.1.
Variant type: single nucleotide variant.
Coding change: c.1365T>C on transcript NM_001085447.2 (MANE Select); coding-DNA position 1365, T replaced by C.
Protein change: p.Asp455=; no amino-acid change (aspartic acid 455 retained).
Molecular consequence: synonymous variant.
Genome position (GRCh38, 1-based): chr2:169,646,135, A>G on the plus strand (T>C on the coding strand, the complement: CFAP210 is on the minus strand). VCF-style: chr2-169646135-A-G. GRCh37 (hg19) VCF-style: chr2-170502645-A-G.
Identifiers: ClinVar variation 3898143 (VCV003898143.7).